The following is an entry in ClinVar:

ClinVar aggregate classification (germline): Likely benign (1 of 4 stars; one submission).

Submission:

CeGaT Center for Human Genetics Tuebingen
Classification: Likely benign. Last evaluated: 2022-06-01. Review status: criteria provided, single submitter. Criteria: CeGaT Center For Human Genetics Tuebingen Variant Classification Criteria Version 2. Collection method: clinical testing. Allele origin: germline. Affected: yes. Observed: 1 variant allele.
Comment: SETD5: PM2:Supporting, BP4, BP7

NM_001080517.3(SETD5):c.4083T>C (p.Val1361=)

Gene: SETD5 (SET domain containing 5; plus strand). Cytogenetic location: 3p25.3.
Variant type: single nucleotide variant.
Coding change: c.4083T>C on transcript NM_001080517.3 (MANE Select); coding-DNA position 4083, T replaced by C.
Protein change: p.Val1361=; no amino-acid change (valine 1361 retained).
Molecular consequence: synonymous variant.
Genome position (GRCh38, 1-based): chr3:9,475,845, T>C. VCF-style: chr3-9475845-T-C. GRCh37 (hg19) VCF-style: chr3-9517529-T-C.
Other names: c.3789T>C, p.Val1263= (NM_001292043.2, NM_001349451.2).
Identifiers: ClinVar variation 2653481 (VCV002653481.24), dbSNP rs2473989301, ClinGen allele CA432528671.